The following is an entry in ClinVar:

ClinVar aggregate classification (germline): Uncertain significance (1 of 4 stars; one submission).

Allele frequency attached by ClinVar (database versions not stated): gnomAD 0.00001; TOPMed 0.00001; ExAC 0.00002; gnomAD exomes 0.00003; 1000 Genomes Project 30x 0.00016; 1000 Genomes Project 0.00020.
gnomAD v4.1: 50 of 1,613,660 alleles (0.0031%); highest among the groups gnomAD compares: South Asian, 0.0033%; no homozygotes.

Submission:

Labcorp Genetics (formerly Invitae), Labcorp
Classification: Uncertain significance. Last evaluated: 2022-10-19. Review status: criteria provided, single submitter. Criteria: Invitae Variant Classification Sherloc (09022015). Collection method: clinical testing. Allele origin: germline.
Comment: This sequence change replaces valine, which is neutral and non-polar, with isoleucine, which is neutral and non-polar, at codon 1775 of the FAT4 protein (p.Val1775Ile). This variant is present in population databases (rs547537537, gnomAD 0.0009%). This variant has not been reported in the literature in individuals affected with FAT4-related conditions. Algorithms developed to predict the effect of missense changes on protein structure and function (SIFT, PolyPhen-2, Align-GVGD) all suggest that this variant is likely to be disruptive. In summary, the available evidence is currently insufficient to determine the role of this variant in disease. Therefore, it has been classified as a Variant of Uncertain Significance.

NM_001291303.3(FAT4):c.5323G>A (p.Val1775Ile)

Gene: FAT4 (FAT atypical cadherin 4; plus strand). Cytogenetic location: 4q28.1.
Variant type: single nucleotide variant.
Coding change: c.5323G>A on transcript NM_001291303.3 (MANE Select); coding-DNA position 5323, G replaced by A.
Protein change: p.Val1775Ile; replaces valine 1775 with isoleucine.
Molecular consequence: missense variant.
Genome position (GRCh38, 1-based): chr4:125,406,895, G>A. VCF-style: chr4-125406895-G-A. GRCh37 (hg19) VCF-style: chr4-126328050-G-A.
Other names: c.5323G>A, p.Val1775Ile (NM_001291285.3, NM_024582.6); short protein forms V1775I.
Identifiers: ClinVar variation 2192173 (VCV002192173.1), dbSNP rs547537537, ClinGen allele CA3072686.